The following is an entry in ClinVar:

NM_198551.4(MIA3):c.2T>G (p.Met1Arg)

Gene: MIA3 (MIA SH3 domain ER export factor 3; plus strand). Cytogenetic location: 1q41.
Variant type: single nucleotide variant.
Coding change: c.2T>G on transcript NM_198551.4 (MANE Select); coding-DNA position 2, T replaced by G.
Protein change: p.Met1Arg; changes the start codon (methionine 1).
Molecular consequence: missense variant, initiator codon variant. On other transcripts: 5 prime UTR variant (1).
Genome position (GRCh38, 1-based): chr1:222,618,112, T>G. VCF-style: chr1-222618112-T-G. GRCh37 (hg19) VCF-style: chr1-222791454-T-G.
Other names: c.2T>G, p.Met1Arg (NM_001324062.2, NM_001324063.2); c.-536T>G (NM_001324064.2); short protein forms M1R.
Identifiers: ClinVar variation 5018150 (VCV005018150.1).

ClinVar aggregate classification (germline): Uncertain significance (1 of 4 stars; one submission).

Submission:

GeneDx
Classification: Uncertain significance. Last evaluated: 2026-04-02. Review status: criteria provided, single submitter. Criteria: GeneDx Variant Classification Process June 2021. Collection method: clinical testing. Allele origin: germline.
Comment: Not observed at significant frequency in large population cohorts (gnomAD); Initiation codon variant predicted to alter the protein; however, a downstream in-frame Methionine residue could serve as an alternate initiator codon; Has not been previously published as pathogenic or benign to our knowledge